The following is an entry in ClinVar:

ClinVar aggregate classification (germline): Conflicting classifications of pathogenicity. Review status: criteria provided, conflicting classifications (1 of 4 stars). 10 submissions from 9 submitters: Uncertain significance (1); Benign (1); Likely benign (4). 4 of the submissions do not count toward it. Last evaluated 2026-01-26.

Conditions:
Cutis laxa, autosomal dominant 1 (ADCL1). Also called: ELN-Related Cutis Laxa. Identifiers: Orphanet 90348, MedGen C3276539, MONDO:0007411, OMIM 123700. Disease mechanism: Dominant Negative.
ELN-related disorder.
Supravalvar aortic stenosis (SVAS). Also called: Supravalvar aortic stenosis, Eisenberg type. Identifiers: Orphanet 3193, MedGen C0003499, MONDO:0008504, OMIM 185500, HP:0004381.

Allele frequency attached by ClinVar (database versions not stated): gnomAD exomes 0.00063 and 0.00115; gnomAD 0.00135 and 0.00142; ESP Exome Variant Server 0.00024; TOPMed 0.00029; ExAC 0.00037; 1000 Genomes Project 0.00060; 1000 Genomes Project 30x 0.00062.
gnomAD v4.1: 1,072 of 1,550,560 alleles (0.069%); highest among the groups gnomAD compares: Non-Finnish European, 0.04%; 4 homozygotes.

Submissions (10):

Labcorp Genetics (formerly Invitae), Labcorp
Classification: Benign for Supravalvar aortic stenosis. Last evaluated: 2026-01-26. Review status: criteria provided, single submitter. Criteria: Invitae Variant Classification Sherloc (09022015). Collection method: clinical testing. Allele origin: germline.

Blueprint Genetics
Classification: Likely benign. Last evaluated: 2024-10-23. Review status: criteria provided, single submitter. Criteria: ACMG Guidelines, 2015. Collection method: clinical testing. Allele origin: germline.

CeGaT Center for Human Genetics Tuebingen
Classification: Likely benign. Last evaluated: 2024-01-01. Review status: criteria provided, single submitter. Criteria: CeGaT Center For Human Genetics Tuebingen Variant Classification Criteria Version 2. Collection method: clinical testing. Allele origin: germline. Affected: yes. Observed: 2 variant alleles.
Comment: ELN: BP4, BS1

GeneDx
Classification: Likely benign. Last evaluated: 2021-06-21. Review status: criteria provided, single submitter. Criteria: GeneDx Variant Classification Process June 2021. Collection method: clinical testing. Allele origin: germline. Affected: yes.
Comment: This variant is associated with the following publications: (PMID: 26582918)

Illumina Laboratory Services, Illumina
Classification: Uncertain significance for Supravalvar aortic stenosis. Last evaluated: 2018-01-13. Review status: criteria provided, single submitter. Criteria: ICSL Variant Classification Criteria 13 December 2019. Collection method: clinical testing. Allele origin: germline.

Illumina Laboratory Services, Illumina
Classification: Likely benign for Cutis laxa, autosomal dominant 1. Last evaluated: 2018-01-13. Review status: criteria provided, single submitter. Criteria: ICSL Variant Classification Criteria 13 December 2019. Collection method: clinical testing. Allele origin: germline.
Comment: This variant was observed in the ICSL laboratory as part of a predisposition screen in an ostensibly healthy population. It had not been previously curated by ICSL or reported in the Human Gene Mutation Database (HGMD: prior to June 1st, 2018), and was therefore a candidate for classification through an automated scoring system. Utilizing variant allele frequency, disease prevalence and penetrance estimates, and inheritance mode, an automated score was calculated to assess if this variant is too frequent to cause the disease. Based on the score and internal cut-off values, a variant classified as likely benign is not then subjected to further curation. The score for this variant resulted in a classification of likely benign for this disease.

PreventionGenetics, part of Exact Sciences
Classification: Likely benign for ELN-related condition. Last evaluated: 2020-08-14. Review status: no assertion criteria provided. Collection method: clinical testing. Allele origin: germline. Not counted in ClinVar's aggregate classification.
Comment: This variant is classified as likely benign based on ACMG/AMP sequence variant interpretation guidelines (Richards et al. 2015 PMID: 25741868, with internal and published modifications).

Clinical Genetics DNA and cytogenetics Diagnostics Lab, Erasmus MC, Erasmus Medical Center
Classification: Likely benign. Review status: no assertion criteria provided. Collection method: clinical testing. Allele origin: germline. Affected: yes. Study: VKGL Data-share Consensus. Not counted in ClinVar's aggregate classification.

Genome Diagnostics Laboratory, Amsterdam University Medical Center
Classification: Likely benign. Review status: no assertion criteria provided. Collection method: clinical testing. Allele origin: germline. Affected: yes. Study: VKGL Data-share Consensus. Not counted in ClinVar's aggregate classification.

Joint Genome Diagnostic Labs from Nijmegen and Maastricht, Radboudumc and MUMC+
Classification: Likely benign. Review status: no assertion criteria provided. Collection method: clinical testing. Allele origin: germline. Affected: yes. Study: VKGL Data-share Consensus. Not counted in ClinVar's aggregate classification.

NM_000501.4(ELN):c.1861G>A (p.Ala621Thr)

Gene: ELN (elastin; plus strand). Cytogenetic location: 7q11.23.
Variant type: single nucleotide variant.
Coding change: c.1861G>A on transcript NM_000501.4 (MANE Select); coding-DNA position 1861, G replaced by A.
Protein change: p.Ala621Thr; replaces alanine 621 with threonine.
Molecular consequence: missense variant.
Genome position (GRCh38, 1-based): chr7:74,063,312, G>A. VCF-style: chr7-74063312-G-A. GRCh37 (hg19) VCF-style: chr7-73477642-G-A.
Other names: c.1774G>A, p.Ala592Thr (NM_001081752.3); c.1819G>A, p.Ala607Thr (NM_001081753.3); c.1876G>A, p.Ala626Thr (NM_001081754.3); c.1804G>A, p.Ala602Thr (NM_001081755.3); c.1861G>A, p.Ala621Thr (NM_001278912.2); c.1618G>A, p.Ala540Thr (NM_001278913.2); c.1789G>A, p.Ala597Thr (NM_001278914.2); c.1879G>A, p.Ala627Thr (NM_001278915.2); and 5 more; short protein forms A621T, A602T, A611T, A540T, A573T, A592T, A597T, A607T.
Identifiers: ClinVar variation 360659 (VCV000360659.53), dbSNP rs150404125, ClinGen allele CA4293267.